The following is an entry in ClinVar:

ClinVar aggregate classification (germline): Uncertain significance. Review status: criteria provided, multiple submitters, no conflicts (2 of 4 stars). 2 submissions from 2 submitters: Uncertain significance (2). Last evaluated 2026-07-16.

Conditions:
Hereditary cancer-predisposing syndrome. Also called: Hereditary neoplastic syndrome; Neoplastic Syndromes, Hereditary; Tumor predisposition; Hereditary Cancer Syndrome. Identifiers: Orphanet 140162, MedGen C0027672, MeSH D009386, MONDO:0015356.
Hereditary diffuse gastric adenocarcinoma (HDGC). Also called: DIFFUSE GASTRIC AND LOBULAR BREAST CANCER SYNDROME. Identifiers: Orphanet 26106, MedGen C1708349, MONDO:0007648, OMIM 137215.

gnomAD v4.1: 2 of 1,613,780 alleles (0.00012%); highest among the groups gnomAD compares: Non-Finnish European, 0.000085%; no homozygotes.

Submissions (2):

Ambry Genetics
Classification: Uncertain significance for Hereditary cancer-predisposing syndrome. Last evaluated: 2026-07-16. Review status: criteria provided, single submitter. Criteria: Ambry Variant Classification Scheme 2023. Collection method: clinical testing. Allele origin: germline.
Comment: The p.T562I variant (also known as c.1685C>T), located in coding exon 11 of the CDH1 gene, results from a C to T substitution at nucleotide position 1685. The threonine at codon 562 is replaced by isoleucine, an amino acid with similar properties. This amino acid position is conserved. In addition, this alteration is predicted to be tolerated by in silico analysis. Based on the available evidence, the clinical significance of this variant remains unclear.

Labcorp Genetics (formerly Invitae), Labcorp
Classification: Uncertain significance for Hereditary diffuse gastric adenocarcinoma. Last evaluated: 2022-05-24. Review status: criteria provided, single submitter. Criteria: Invitae Variant Classification Sherloc (09022015). Collection method: clinical testing. Allele origin: germline.
Comment: In summary, the available evidence is currently insufficient to determine the role of this variant in disease. Therefore, it has been classified as a Variant of Uncertain Significance. Algorithms developed to predict the effect of missense changes on protein structure and function (SIFT, PolyPhen-2, Align-GVGD) all suggest that this variant is likely to be tolerated. This variant has not been reported in the literature in individuals affected with CDH1-related conditions. This variant is not present in population databases (gnomAD no frequency). This sequence change replaces threonine, which is neutral and polar, with isoleucine, which is neutral and non-polar, at codon 562 of the CDH1 protein (p.Thr562Ile).

NM_004360.5(CDH1):c.1685C>T (p.Thr562Ile)

Gene: CDH1 (cadherin 1; plus strand). Cytogenetic location: 16q22.1.
Variant type: single nucleotide variant.
Coding change: c.1685C>T on transcript NM_004360.5 (MANE Select); coding-DNA position 1685, C replaced by T.
Protein change: p.Thr562Ile; replaces threonine 562 with isoleucine.
Molecular consequence: missense variant. On other transcripts: intron variant (1).
Genome position (GRCh38, 1-based): chr16:68,819,399, C>T. VCF-style: chr16-68819399-C-T. GRCh37 (hg19) VCF-style: chr16-68853302-C-T.
Other names: c.1502C>T, p.Thr501Ile (NM_001317184.2); c.137C>T, p.Thr46Ile (NM_001317185.2); c.-254-2602C>T (NM_001317186.2); short protein forms T501I, T46I, T562I.
Identifiers: ClinVar variation 1998160 (VCV001998160.5), dbSNP rs587782381, ClinGen allele CA396465376.